The following is an entry in ClinVar:

ClinVar aggregate classification (germline): Uncertain significance (1 of 4 stars; one submission).

Conditions:
CHARGE syndrome (CHARGE). Also called: Coloboma, heart anomaly, choanal atresia, retardation, genital and ear anomalies; CHARGE association; Hall-Hittner syndrome; Hittner Hirsch Kreh syndrome; CHARGE ASSOCIATION--COLOBOMA, HEART ANOMALY, CHOANAL ATRESIA, RETARDATION, GENITAL AND EAR ANOMALIES. Identifiers: Orphanet 138, MedGen C0265354, MONDO:0008965.

Allele frequency attached by ClinVar (database versions not stated): gnomAD exomes below 0.00001; TOPMed below 0.00001.
gnomAD v4.1: 1 of 1,613,340 alleles (0.000062%); highest among the groups gnomAD compares: Non-Finnish European, 0.000085%; no homozygotes.

Submission:

Labcorp Genetics (formerly Invitae), Labcorp
Classification: Uncertain significance for CHARGE syndrome. Last evaluated: 2025-03-16. Review status: criteria provided, single submitter. Criteria: Invitae Variant Classification Sherloc (09022015). Collection method: clinical testing. Allele origin: germline.
Comment: This sequence change replaces proline, which is neutral and non-polar, with arginine, which is basic and polar, at codon 1776 of the CHD7 protein (p.Pro1776Arg). This variant is present in population databases (no rsID available, gnomAD 0.0009%). This variant has not been reported in the literature in individuals affected with CHD7-related conditions. ClinVar contains an entry for this variant (Variation ID: 1440213). Invitae Evidence Modeling of protein sequence and biophysical properties (such as structural, functional, and spatial information, amino acid conservation, physicochemical variation, residue mobility, and thermodynamic stability) indicates that this missense variant is not expected to disrupt CHD7 protein function with a negative predictive value of 80%. In summary, the available evidence is currently insufficient to determine the role of this variant in disease. Therefore, it has been classified as a Variant of Uncertain Significance.

NM_017780.4(CHD7):c.5327C>G (p.Pro1776Arg)

Gene: CHD7 (chromodomain helicase DNA binding protein 7; plus strand). Cytogenetic location: 8q12.2.
Variant type: single nucleotide variant.
Coding change: c.5327C>G on transcript NM_017780.4 (MANE Select); coding-DNA position 5327, C replaced by G.
Protein change: p.Pro1776Arg; replaces proline 1776 with arginine.
Molecular consequence: missense variant. On other transcripts: intron variant (1).
Genome position (GRCh38, 1-based): chr8:60,849,077, C>G. VCF-style: chr8-60849077-C-G. GRCh37 (hg19) VCF-style: chr8-61761636-C-G.
Other names: c.1717-13152C>G (NM_001316690.1); short protein forms P1776R.
Identifiers: ClinVar variation 1440213 (VCV001440213.8), dbSNP rs759486970, ClinGen allele CA371321083.
Genomic context (GRCh38, chr8:60,849,077, plus strand): 5'-AATACTAATATTTCTTATAAATGTTGTCTTTCAGTGAAGCCGATGTGTGGATCCCTGAAC[C>G]TTTCCATGCTGAAGTTCCTGCAGATTGGTGGGATAAGGAAGCAGACAAATCCCTCTTAAT-3'
Protein context (NP_060250.2, residues 1766-1786): SSEADVWIPE[Pro1776Arg]FHAEVPADWW